The following is an entry in ClinVar:

ClinVar aggregate classification (germline): Benign (1 of 4 stars; one submission).

Allele frequency attached by ClinVar (database versions not stated): 1000 Genomes Project 30x 0.18816; TOPMed 0.15398; 1000 Genomes Project 0.17831.
gnomAD v4.1: 20,002 of 152,110 alleles (13%); highest among the groups gnomAD compares: African/African-American, 40%; 3,503 homozygotes.

Submission:

GeneDx
Classification: Benign. Last evaluated: 2018-06-19. Review status: criteria provided, single submitter. Criteria: GeneDx Variant Classification (06012015). Collection method: clinical testing. Allele origin: germline. Affected: yes.
Comment: This variant is considered likely benign or benign based on one or more of the following criteria: it is a conservative change, it occurs at a poorly conserved position in the protein, it is predicted to be benign by multiple in silico algorithms, and/or has population frequency not consistent with disease.

NM_016373.4(WWOX):c.606-254C>T

Gene: WWOX (WW domain containing oxidoreductase; plus strand). Cytogenetic location: 16q23.1.
Variant type: single nucleotide variant.
Coding change: c.606-254C>T on transcript NM_016373.4 (MANE Select); 254 bases into the intron before coding-DNA position 606, C replaced by T.
Molecular consequence: intron variant.
Genome position (GRCh38, 1-based): chr16:78,424,616, C>T. VCF-style: chr16-78424616-C-T. GRCh37 (hg19) VCF-style: chr16-78458513-C-T.
Other names: c.267-254C>T (NM_001291997.2).
Identifiers: ClinVar variation 669022 (VCV000669022.1), dbSNP rs8059174, ClinGen allele CA14287095.